The following is an entry in ClinVar:

ClinVar aggregate classification (germline): Uncertain significance (1 of 4 stars; one submission).

Conditions:
Granulomatous disease, chronic, autosomal recessive, cytochrome b-positive, type 3. Also called: Granulomatous disease, chronic, autosomal recessive, cytochrome b-positive, type III; GRANULOMATOUS DISEASE, CHRONIC, AUTOSOMAL RECESSIVE, 3; CGD, AUTOSOMAL RECESSIVE CYTOCHROME b-POSITIVE, TYPE III; GRANULOMATOUS DISEASE, CHRONIC, DUE TO NCF4 DEFICIENCY. Identifiers: Orphanet 379, MedGen C3151409, MONDO:0013507, OMIM 613960.

Allele frequency attached by ClinVar (database versions not stated): ExAC 0.00001; gnomAD exomes 0.00001.

Submission:

Labcorp Genetics (formerly Invitae), Labcorp
Classification: Uncertain significance for Granulomatous disease, chronic, autosomal recessive, cytochrome b-positive, type 3. Last evaluated: 2022-06-30. Review status: criteria provided, single submitter. Criteria: Invitae Variant Classification Sherloc (09022015). Collection method: clinical testing. Allele origin: germline.
Comment: This variant is present in population databases (rs759649020, gnomAD 0.002%). In summary, the available evidence is currently insufficient to determine the role of this variant in disease. Therefore, it has been classified as a Variant of Uncertain Significance. Algorithms developed to predict the effect of missense changes on protein structure and function (SIFT, PolyPhen-2, Align-GVGD) all suggest that this variant is likely to be tolerated. This variant has not been reported in the literature in individuals affected with NCF4-related conditions. This sequence change replaces isoleucine, which is neutral and non-polar, with serine, which is neutral and polar, at codon 342 of the NCF4 protein (p.Ile342Ser).

NM_000631.5(NCF4):c.780T>G (p.Asp260Glu)

Gene: NCF4 (neutrophil cytosolic factor 4; plus strand). Cytogenetic location: 22q12.3.
Variant type: single nucleotide variant.
Coding change: c.780T>G on transcript NM_000631.5 (MANE Select); coding-DNA position 780, T replaced by G.
Protein change: p.Asp260Glu; replaces aspartic acid 260 with glutamic acid.
Molecular consequence: missense variant.
Genome position (GRCh38, 1-based): chr22:36,876,050, T>G. VCF-style: chr22-36876050-T-G. GRCh37 (hg19) VCF-style: chr22-37272092-T-G.
Other names: c.1025T>G, p.Ile342Ser (NM_013416.4); short protein forms D260E, I342S.
Identifiers: ClinVar variation 2011886 (VCV002011886.4), dbSNP rs759649020, ClinGen allele CA10213213.